The following is an entry in ClinVar:

ClinVar aggregate classification (germline): Uncertain significance (1 of 4 stars; one submission).

Allele frequency attached by ClinVar (database versions not stated): gnomAD 0.00001.
gnomAD v4.1: 1 of 1,614,090 alleles (0.000062%); highest among the groups gnomAD compares: African/African-American, 0.0013%; no homozygotes.

Submission:

Labcorp Genetics (formerly Invitae), Labcorp
Classification: Uncertain significance. Last evaluated: 2023-10-03. Review status: criteria provided, single submitter. Criteria: Invitae Variant Classification Sherloc (09022015). Collection method: clinical testing. Allele origin: germline.
Comment: This sequence change replaces histidine, which is basic and polar, with arginine, which is basic and polar, at codon 48 of the PRPF6 protein (p.His48Arg). This variant is present in population databases (no rsID available, gnomAD 0.01%). This variant has not been reported in the literature in individuals affected with PRPF6-related conditions. ClinVar contains an entry for this variant (Variation ID: 1043535). Advanced modeling of protein sequence and biophysical properties (such as structural, functional, and spatial information, amino acid conservation, physicochemical variation, residue mobility, and thermodynamic stability) has been performed at Invitae for this missense variant, however the output from this modeling did not meet the statistical confidence thresholds required to predict the impact of this variant on PRPF6 protein function. In summary, the available evidence is currently insufficient to determine the role of this variant in disease. Therefore, it has been classified as a Variant of Uncertain Significance.

NM_012469.4(PRPF6):c.143A>G (p.His48Arg)

Gene: PRPF6 (pre-mRNA processing factor 6; plus strand). Cytogenetic location: 20q13.33.
Variant type: single nucleotide variant.
Coding change: c.143A>G on transcript NM_012469.4 (MANE Select); coding-DNA position 143, A replaced by G.
Protein change: p.His48Arg; replaces histidine 48 with arginine.
Molecular consequence: missense variant.
Genome position (GRCh38, 1-based): chr20:63,983,118, A>G. VCF-style: chr20-63983118-A-G. GRCh37 (hg19) VCF-style: chr20-62614471-A-G.
Other names: short protein forms H48R.
Identifiers: ClinVar variation 1043535 (VCV001043535.8), dbSNP rs1363266999, ClinGen allele CA409796742.